The following is an entry in ClinVar:

NM_001244008.2(KIF1A):c.1843C>T (p.Arg615Cys)

Gene: KIF1A (kinesin family member 1A; minus strand). Cytogenetic location: 2q37.3.
Variant type: single nucleotide variant.
Coding change: c.1843C>T on transcript NM_001244008.2 (MANE Select); coding-DNA position 1843, C replaced by T.
Protein change: p.Arg615Cys; replaces arginine 615 with cysteine.
Molecular consequence: missense variant.
Genome position (GRCh38, 1-based): chr2:240,763,272, G>A on the plus strand (C>T on the coding strand, the complement: KIF1A is on the minus strand). VCF-style: chr2-240763272-G-A. GRCh37 (hg19) VCF-style: chr2-241702689-G-A.
Other names: c.1843C>T, p.Arg615Cys (NM_001320705.2, NM_001330289.2, NM_001379638.1); c.1918C>T, p.Arg640Cys (NM_001330290.2, NM_001379631.1, NM_001379634.1 and 2 more transcripts); c.1816C>T, p.Arg606Cys (NM_001379632.1, NM_001379633.1, NM_001379636.1 and 11 more transcripts); c.1891C>T, p.Arg631Cys (NM_001379637.1, NM_001379648.1); short protein forms R606C, R631C, R640C, R615C.
Identifiers: ClinVar variation 2081813 (VCV002081813.8), dbSNP rs1299715614, ClinGen allele CA351327156.
Genomic context (GRCh38, chr2:240,763,272, plus strand): 5'-GCTCACGCTGGGCGAAGGCCCAGTCCACAGGCTCAGCTGGCGTCTCCGCACAAGGCGTGC[G>A]CTCACGCTCCTGCCGGGCCTGCTCGGGGTGGTTGAACCGGAACACATGGCTCTTACCCAT-3'
Protein context (NP_001230937.1, residues 605-625): HPEQARQERE[Arg615Cys]TPCAETPAEP

ClinVar aggregate classification (germline): Uncertain significance. Review status: criteria provided, multiple submitters, no conflicts (2 of 4 stars). 3 submissions from 3 submitters: Uncertain significance (3). Last evaluated 2026-04-22.

Conditions:
Syndromic intellectual disability. Also called: Intellectual disability syndrome. Identifiers: Orphanet 183763, MedGen C5680525, MONDO:0000508.
KIF1A-related disorder. Also called: KIF1A-related disorders; KIF1A-related condition.
Intellectual disability, autosomal dominant 9 (NESCAVS). Also called: NESCAV SYNDROME; KIF1A-Related Neurodevelopmental Disorder. Identifiers: Orphanet 662367, MedGen C5393830, MONDO:0013656, OMIM 614255.
Neuropathy, hereditary sensory, type 2C. Also called: Hereditary sensory and autonomic neuropathy type IIC; KIF1A-Related HSAN2 (HSAN2C). Identifiers: Orphanet 970, MedGen C3280168, MONDO:0013634, OMIM 614213.
Hereditary spastic paraplegia 30. Identifiers: Orphanet 101010, MedGen C5235139, MONDO:0012476.

Allele frequency attached by ClinVar (database versions not stated): gnomAD 0.00001; gnomAD exomes 0.00001.

Submissions (3):

PreventionGenetics, part of Exact Sciences
Classification: Uncertain significance for KIF1A-related condition. Last evaluated: 2026-04-22. Review status: criteria provided, single submitter. Criteria: ACMG Guidelines, 2015. Collection method: clinical testing. Allele origin: germline.
Comment: The KIF1A c.1843C>T variant is predicted to result in the amino acid substitution p.Arg615Cys. To our knowledge, this variant has not been reported in the literature or in a large population database (gnomAD), indicating this variant is rare. At this time, the clinical significance of this variant is uncertain due to the absence of conclusive functional and genetic evidence.

Dasa
Classification: Uncertain significance for Syndromic intellectual disability. Last evaluated: 2026-02-02. Review status: criteria provided, single submitter. Criteria: DASA Assertion Criteria. Collection method: clinical testing. Allele origin: germline.
Comment: NM_001244008.2(KIF1A):c.1843C>T (p.Arg615Cys) is a missense variant that results in the substitution of arginine with cysteine. This variant is rare in population databases. The currently available literature and clinical evidence are not sufficient to establish a definitive association between this variant and the reported condition. Therefore, this variant is classified as a variant of uncertain significance.

Labcorp Genetics (formerly Invitae), Labcorp
Classification: Uncertain significance for Hereditary spastic paraplegia 30; Neuropathy, hereditary sensory, type 2C; Intellectual disability, autosomal dominant 9. Last evaluated: 2022-09-27. Review status: criteria provided, single submitter. Criteria: Invitae Variant Classification Sherloc (09022015). Collection method: clinical testing. Allele origin: germline.
Comment: In summary, the available evidence is currently insufficient to determine the role of this variant in disease. Therefore, it has been classified as a Variant of Uncertain Significance. Advanced modeling of protein sequence and biophysical properties (such as structural, functional, and spatial information, amino acid conservation, physicochemical variation, residue mobility, and thermodynamic stability) has been performed at Invitae for this missense variant, however the output from this modeling did not meet the statistical confidence thresholds required to predict the impact of this variant on KIF1A protein function. This variant has not been reported in the literature in individuals affected with KIF1A-related conditions. This variant is not present in population databases (gnomAD no frequency). This sequence change replaces arginine, which is basic and polar, with cysteine, which is neutral and slightly polar, at codon 606 of the KIF1A protein (p.Arg606Cys).